The following is an entry in ClinVar:

ClinVar aggregate classification (germline): Uncertain significance (1 of 4 stars; one submission).

Submission:

GeneDx
Classification: Uncertain significance. Last evaluated: 2025-02-21. Review status: criteria provided, single submitter. Criteria: GeneDx Variant Classification Process June 2021. Collection method: clinical testing. Allele origin: germline. Affected: yes.
Comment: Not observed at significant frequency in large population cohorts (gnomAD); In silico analysis indicates that this variant does not alter splicing; Has not been previously published as pathogenic or benign to our knowledge

NM_005032.7(PLS3):c.90A>T (p.Gly30=)

Gene: PLS3 (plastin 3; plus strand). Cytogenetic location: Xq23.
Variant type: single nucleotide variant.
Coding change: c.90A>T on transcript NM_005032.7 (MANE Select); coding-DNA position 90, A replaced by T.
Protein change: p.Gly30=; no amino-acid change (glycine 30 retained).
Molecular consequence: synonymous variant. On other transcripts: 5 prime UTR variant (1).
Genome position (GRCh38, 1-based): chrX:115,622,262, A>T. VCF-style: chrX-115622262-A-T. GRCh37 (hg19) VCF-style: chrX-114856574-A-T.
Other names: c.90A>T, p.Gly30= (NM_001136025.5, NM_001172335.3, NM_001440791.1 and 1 more transcripts); c.24A>T, p.Gly8= (NM_001282337.2); c.-46A>T (NM_001282338.2).
Identifiers: ClinVar variation 4076807 (VCV004076807.1).